The following is an entry in ClinVar:

NM_022081.6(HPS4):c.1014C>T (p.Pro338=)

Gene: HPS4 (HPS4 biogenesis of lysosomal organelles complex 3 subunit 2; minus strand). Cytogenetic location: 22q12.1.
Variant type: single nucleotide variant.
Coding change: c.1014C>T on transcript NM_022081.6 (MANE Select); coding-DNA position 1014, C replaced by T.
Protein change: p.Pro338=; no amino-acid change (proline 338 retained).
Molecular consequence: synonymous variant. On other transcripts: non-coding transcript variant (8).
Genome position (GRCh38, 1-based): chr22:26,464,616, G>A on the plus strand (C>T on the coding strand, the complement: HPS4 is on the minus strand). VCF-style: chr22-26464616-G-A. GRCh37 (hg19) VCF-style: chr22-26860582-G-A.
Other names: c.1014C>T, p.Pro338= (NM_001349896.1, NM_001349898.2, NM_001349899.2 and 4 more transcripts); c.1068C>T, p.Pro356= (NM_001349900.2, NM_001349901.1); c.999C>T, p.Pro333= (NM_152841.2).
Identifiers: ClinVar variation 903530 (VCV000903530.11), dbSNP rs188300485, ClinGen allele CA10163423.

ClinVar aggregate classification (germline): Conflicting classifications of pathogenicity. Review status: criteria provided, conflicting classifications (1 of 4 stars). 4 submissions from 4 submitters: Uncertain significance (1); Likely benign (2). 1 of the submissions does not count toward it. Last evaluated 2026-01-14.

Conditions:
HPS4-related disorder. Also called: HPS4-related condition.
Hermansky-Pudlak syndrome 4 (HPS4). Identifiers: Orphanet 231500, Orphanet 79430, MedGen C3484357, MONDO:0013556, OMIM 614073.

Allele frequency attached by ClinVar (database versions not stated): ExAC 0.00003; gnomAD exomes 0.00005; gnomAD 0.00006 and 0.00007; TOPMed 0.00006; 1000 Genomes Project 30x 0.00016; 1000 Genomes Project 0.00020.
gnomAD v4.1: 124 of 1,614,170 alleles (0.0077%); highest among the groups gnomAD compares: Admixed American, 0.012%; no homozygotes.

Submissions (4):

Labcorp Genetics (formerly Invitae), Labcorp
Classification: Likely benign. Last evaluated: 2026-01-14. Review status: criteria provided, single submitter. Criteria: Invitae Variant Classification Sherloc (09022015). Collection method: clinical testing. Allele origin: germline.

Blueprint Genetics
Classification: Likely benign. Last evaluated: 2024-03-04. Review status: criteria provided, single submitter. Criteria: ACMG Guidelines, 2015. Collection method: clinical testing. Allele origin: germline.

Illumina Laboratory Services, Illumina
Classification: Uncertain significance for Hermansky-Pudlak syndrome 4. Last evaluated: 2018-01-13. Review status: criteria provided, single submitter. Criteria: ICSL Variant Classification Criteria 13 December 2019. Collection method: clinical testing. Allele origin: germline.

PreventionGenetics, part of Exact Sciences
Classification: Likely benign for HPS4-related condition. Last evaluated: 2022-08-19. Review status: no assertion criteria provided. Collection method: clinical testing. Allele origin: germline. Not counted in ClinVar's aggregate classification.
Comment: This variant is classified as likely benign based on ACMG/AMP sequence variant interpretation guidelines (Richards et al. 2015 PMID: 25741868, with internal and published modifications).